The following is an entry in ClinVar:

ClinVar aggregate classification (germline): Uncertain significance (1 of 4 stars; one submission).

Conditions:
Hypertrophic cardiomyopathy. Also called: HYPERTROPHIC MYOCARDIOPATHY. Identifiers: Orphanet 217569, MedGen C0007194, MeSH D002312, MONDO:0005045, HP:0001639.

Allele frequency attached by ClinVar (database versions not stated): gnomAD 0.00001; TOPMed 0.00002.
gnomAD v4.1: 10 of 1,610,318 alleles (0.00062%); highest among the groups gnomAD compares: African/African-American, 0.0027%; no homozygotes.

Submission:

Labcorp Genetics (formerly Invitae), Labcorp
Classification: Uncertain significance for Hypertrophic cardiomyopathy. Last evaluated: 2022-03-23. Review status: criteria provided, single submitter. Criteria: Invitae Variant Classification Sherloc (09022015). Collection method: clinical testing. Allele origin: germline.
Comment: In summary, the available evidence is currently insufficient to determine the role of this variant in disease. Therefore, it has been classified as a Variant of Uncertain Significance. Variants that disrupt the consensus splice site are a relatively common cause of aberrant splicing (PMID: 17576681, 9536098). Algorithms developed to predict the effect of sequence changes on RNA splicing suggest that this variant may disrupt the consensus splice site. Algorithms developed to predict the effect of missense changes on protein structure and function are either unavailable or do not agree on the potential impact of this missense change (SIFT: "Tolerated"; PolyPhen-2: "Probably Damaging"; Align-GVGD: "Class C0"). This variant has not been reported in the literature in individuals affected with MYOM1-related conditions. This variant is present in population databases (no rsID available, gnomAD 0.003%). This sequence change replaces arginine, which is basic and polar, with glutamine, which is neutral and polar, at codon 795 of the MYOM1 protein (p.Arg795Gln). This variant also falls at the last nucleotide of exon 16, which is part of the consensus splice site for this exon.

Literature cited by the submitters: PubMed 17576681; PubMed 9536098.

NM_003803.4(MYOM1):c.2384G>A (p.Arg795Gln)

Gene: MYOM1 (myomesin 1; minus strand). Cytogenetic location: 18p11.31.
Variant type: single nucleotide variant.
Coding change: c.2384G>A on transcript NM_003803.4 (MANE Select); coding-DNA position 2384, G replaced by A.
Protein change: p.Arg795Gln; replaces arginine 795 with glutamine.
Molecular consequence: missense variant.
Genome position (GRCh38, 1-based): chr18:3,134,650, C>T on the plus strand (G>A on the coding strand, the complement: MYOM1 is on the minus strand). VCF-style: chr18-3134650-C-T. GRCh37 (hg19) VCF-style: chr18-3134648-C-T.
Other names: c.2384G>A, p.Arg795Gln (NM_019856.2); short protein forms R795Q.
Identifiers: ClinVar variation 2418447 (VCV002418447.5), dbSNP rs954326431, ClinGen allele CA295518707.
Genomic context (GRCh38, chr18:3,134,650, plus strand): 5'-CGTATGTGTCTATGGCAGCTCCAGAGGCCATTGCCCGCCCTGCACACCCGACTGAGTTAC[C>T]GTGAGCCCTTCACGGGGTTGTTGTTACAGGGCTCCCACTTGCCAGAGCCAGCAACGCTCG-3'
Protein context (NP_003794.3, residues 785-805): PCNNNPVKGS[Arg795Gln]FTCHGLVTGQ